The following is an entry in ClinVar:

NM_005120.3(MED12):c.3773G>T (p.Ser1258Ile)

Gene: MED12 (mediator complex subunit 12; plus strand). Cytogenetic location: Xq13.1.
Variant type: single nucleotide variant.
Coding change: c.3773G>T on transcript NM_005120.3 (MANE Select); coding-DNA position 3773, G replaced by T.
Protein change: p.Ser1258Ile; replaces serine 1258 with isoleucine.
Molecular consequence: missense variant.
Genome position (GRCh38, 1-based): chrX:71,129,761, G>T. VCF-style: chrX-71129761-G-T. GRCh37 (hg19) VCF-style: chrX-70349611-G-T.
Other names: short protein forms S1258I.
Identifiers: ClinVar variation 1304424 (VCV001304424.2), dbSNP rs2147807409, ClinGen allele CA413522382.

ClinVar aggregate classification (germline): Uncertain significance (1 of 4 stars; one submission).

Submission:

GeneDx
Classification: Uncertain significance. Last evaluated: 2021-06-03. Review status: criteria provided, single submitter. Criteria: GeneDx Variant Classification Process June 2021. Collection method: clinical testing. Allele origin: germline. Affected: yes.
Comment: Not observed at significant frequency in large population cohorts (Lek et al., 2016); In silico analysis supports that this missense variant does not alter protein structure/function; Has not been previously published as pathogenic or benign to our knowledge; This variant is associated with the following publications: (PMID: 27535533)